The following is an entry in ClinVar:

ClinVar aggregate classification (germline): Uncertain significance (1 of 4 stars; one submission).

Conditions:
Long QT syndrome 1 (LQT1). Identifiers: Orphanet 101016, Orphanet 768, MedGen C4551647, MONDO:0100316, OMIM 192500, MONDO:0008646.

Submission:

Labcorp Genetics (formerly Invitae), Labcorp
Classification: Uncertain significance for Long QT syndrome 1. Last evaluated: 2025-12-19. Review status: criteria provided, single submitter. Criteria: Invitae Variant Classification Sherloc (09022015). Collection method: clinical testing. Allele origin: germline.
Comment: This sequence change falls in intron 1 of the CALM2 gene. It does not directly change the encoded amino acid sequence of the CALM2 protein. Information on the frequency of this variant in the gnomAD database is not available, as this variant may be reported differently in the database. This variant has not been reported in the literature in individuals affected with CALM2-related conditions. Experimental studies and prediction algorithms are not available or were not evaluated, and the effect of this variant on mRNA splicing is currently unknown. In summary, the available evidence is currently insufficient to determine the role of this variant in disease. Therefore, it has been classified as a Variant of Uncertain Significance.

NM_001743.6(CALM2):c.3+12_3+13delinsTT

Gene: CALM2 (calmodulin 2; minus strand). Cytogenetic location: 2p21.
Variant type: Indel.
Coding change: c.3+12_3+13delinsTT on transcript NM_001743.6 (MANE Select); bases 12 to 13 of the intron after coding-DNA position 3, GC replaced by TT.
Molecular consequence: intron variant.
Genome position (GRCh38, 1-based): chr2:47,176,428-47,176,429, GC replaced by AA on the plus strand (GC replaced by TT on the coding strand, the reverse complement: CALM2 is on the minus strand). VCF-style: chr2-47176428-GC-AA. GRCh37 (hg19) VCF-style: chr2-47403567-GC-AA.
Other names: c.101+12_101+13delinsTT (NM_001305624.1); c.-106+420_-106+421delinsTT (NM_001305625.2).
Identifiers: ClinVar variation 4717740 (VCV004717740.1).
Genomic context (GRCh38, chr2:47,176,428, plus strand): 5'-CCTTTGTTTAGTCAGTTCGCTCCAGTCTCTTCCCCCCACAGGCCCAGCGCCGGCAGCTCA[GC>AA]GATGCACTCACCATGCTGCAAGCGCTACCGGTTTCCGAGACGCGACCACACAACCACTCA-3'